The following is an entry in ClinVar:

NM_001384732.1(CPLANE1):c.6172-18A>G

Gene: CPLANE1 (ciliogenesis and planar polarity effector complex subunit 1; minus strand). Cytogenetic location: 5p13.2.
Variant type: single nucleotide variant.
Coding change: c.6172-18A>G on transcript NM_001384732.1 (MANE Select); 18 bases into the intron before coding-DNA position 6172, A replaced by G.
Molecular consequence: intron variant.
Genome position (GRCh38, 1-based): chr5:37,170,349, T>C on the plus strand (A>G on the coding strand, the complement: CPLANE1 is on the minus strand). VCF-style: chr5-37170349-T-C. GRCh37 (hg19) VCF-style: chr5-37170451-T-C.
Other names: c.6172-18A>G (NM_023073.4).
Identifiers: ClinVar variation 1435257 (VCV001435257.8), dbSNP rs769446298, ClinGen allele CA3238312.

ClinVar aggregate classification (germline): Uncertain significance (1 of 4 stars; one submission).

Allele frequency attached by ClinVar (database versions not stated): gnomAD exomes below 0.00001; ExAC 0.00001.
gnomAD v4.1: 1 of 1,595,036 alleles (0.000063%); highest among the groups gnomAD compares: Admixed American, 0.0017%; no homozygotes.

Submission:

Labcorp Genetics (formerly Invitae), Labcorp
Classification: Uncertain significance. Last evaluated: 2022-07-19. Review status: criteria provided, single submitter. Criteria: Invitae Variant Classification Sherloc (09022015). Collection method: clinical testing. Allele origin: germline.
Comment: In summary, the available evidence is currently insufficient to determine the role of this variant in disease. Therefore, it has been classified as a Variant of Uncertain Significance. Algorithms developed to predict the effect of sequence changes on RNA splicing suggest that this variant may disrupt the consensus splice site. ClinVar contains an entry for this variant (Variation ID: 1435257). This variant has not been reported in the literature in individuals affected with CPLANE1-related conditions. This variant is present in population databases (rs769446298, gnomAD 0.003%). This sequence change falls in intron 32 of the CPLANE1 gene. It does not directly change the encoded amino acid sequence of the CPLANE1 protein.